The following is an entry in ClinVar:

ClinVar aggregate classification (germline): Conflicting classifications of pathogenicity. Review status: criteria provided, conflicting classifications (1 of 4 stars). 3 submissions from 3 submitters: Uncertain significance (2); Benign (1). Last evaluated 2025-11-24.

Conditions:
Inborn genetic diseases. Identifiers: MedGen C0950123, MeSH D030342.

Allele frequency attached by ClinVar (database versions not stated): gnomAD exomes 0.00002 and 0.00005; ExAC 0.00006; ESP Exome Variant Server 0.00015; TOPMed 0.00023; gnomAD 0.00024 and 0.00025; 1000 Genomes Project 0.00080; 1000 Genomes Project 30x 0.00094.
gnomAD v4.1: 73 of 1,613,894 alleles (0.0045%); highest among the groups gnomAD compares: African/African-American, 0.092%; no homozygotes.

Submissions (3):

Ambry Genetics
Classification: Uncertain significance for Inborn genetic diseases. Last evaluated: 2025-11-24. Review status: criteria provided, single submitter. Criteria: Ambry Variant Classification Scheme 2023. Collection method: clinical testing. Allele origin: germline.

Labcorp Genetics (formerly Invitae), Labcorp
Classification: Uncertain significance. Last evaluated: 2025-11-06. Review status: criteria provided, single submitter. Criteria: Invitae Variant Classification Sherloc (09022015). Collection method: clinical testing. Allele origin: germline.
Comment: This sequence change replaces threonine, which is neutral and polar, with isoleucine, which is neutral and non-polar, at codon 1489 of the VCAN protein (p.Thr1489Ile). This variant is present in population databases (rs199678648, gnomAD 0.07%), and has an allele count higher than expected for a pathogenic variant. This variant has not been reported in the literature in individuals affected with VCAN-related conditions. ClinVar contains an entry for this variant (Variation ID: 843745). An algorithm developed to predict the effect of missense changes on protein structure and function outputs the following: PolyPhen-2: "Benign". The isoleucine amino acid residue is found in multiple mammalian species, which suggests that this missense change does not adversely affect protein function. In summary, the available evidence is currently insufficient to determine the role of this variant in disease. Therefore, it has been classified as a Variant of Uncertain Significance.

Blueprint Genetics
Classification: Benign. Last evaluated: 2023-06-03. Review status: criteria provided, single submitter. Criteria: ACMG Guidelines, 2015. Collection method: clinical testing. Allele origin: germline.

NM_004385.5(VCAN):c.4466C>T (p.Thr1489Ile)

Genes: VCAN (versican; plus strand), VCAN-AS1 (VCAN antisense RNA 1; minus strand). Cytogenetic location: 5q14.3.
Variant type: single nucleotide variant.
Coding change: c.4466C>T on transcript NM_004385.5 (MANE Select); coding-DNA position 4466, C replaced by T.
Protein change: p.Thr1489Ile; replaces threonine 1489 with isoleucine.
Molecular consequence: missense variant. On other transcripts: intron variant (2).
Genome position (GRCh38, 1-based): chr5:83,537,469, C>T. VCF-style: chr5-83537469-C-T. GRCh37 (hg19) VCF-style: chr5-82833288-C-T.
Other names: c.1505C>T, p.Thr502Ile (NM_001164097.2); c.4004-8068C>T (NM_001164098.2); c.1043-8068C>T (NM_001126336.3); short protein forms T1489I, T502I.
Identifiers: ClinVar variation 843745 (VCV000843745.10), dbSNP rs199678648, ClinGen allele CA3333175.
Genomic context (GRCh38, chr5:83,537,469, plus strand): 5'-AATCTACAGAAACAACTGAGTCTCTTGAAGTTACATGGAAGCCTGAGACTTACCCTGAAA[C>T]ATCAGAACATTTTTCAGGTGGTGAGCCTGATGTTTTCCCCACAGTCCCATTCCATGAGGA-3'
Protein context (NP_004376.2, residues 1479-1499): VTWKPETYPE[Thr1489Ile]SEHFSGGEPD